The following is an entry in ClinVar:

ClinVar aggregate classification (germline): Uncertain significance. Review status: criteria provided, multiple submitters, no conflicts (2 of 4 stars). 2 submissions from 2 submitters: Uncertain significance (2). Last evaluated 2024-11-20.

Conditions:
Inborn genetic diseases. Identifiers: MedGen C0950123, MeSH D030342.

Allele frequency attached by ClinVar (database versions not stated): TOPMed below 0.00001; gnomAD 0.00001; gnomAD exomes 0.00001; ExAC 0.00002; ESP Exome Variant Server 0.00008.
gnomAD v4.1: 21 of 1,612,858 alleles (0.0013%); highest among the groups gnomAD compares: Admixed American, 0.0067%; no homozygotes.

Submissions (2):

Ambry Genetics
Classification: Uncertain significance for Inborn genetic diseases. Last evaluated: 2024-11-20. Review status: criteria provided, single submitter. Criteria: Ambry Variant Classification Scheme 2023. Collection method: clinical testing. Allele origin: germline.

Labcorp Genetics (formerly Invitae), Labcorp
Classification: Uncertain significance. Last evaluated: 2023-04-28. Review status: criteria provided, single submitter. Criteria: Invitae Variant Classification Sherloc (09022015). Collection method: clinical testing. Allele origin: germline.
Comment: In summary, the available evidence is currently insufficient to determine the role of this variant in disease. Therefore, it has been classified as a Variant of Uncertain Significance. Advanced modeling of protein sequence and biophysical properties (such as structural, functional, and spatial information, amino acid conservation, physicochemical variation, residue mobility, and thermodynamic stability) performed at Invitae indicates that this missense variant is not expected to disrupt GNA11 protein function. This variant has not been reported in the literature in individuals affected with GNA11-related conditions. This variant is present in population databases (rs139538868, gnomAD 0.009%). This sequence change replaces alanine, which is neutral and non-polar, with threonine, which is neutral and polar, at codon 302 of the GNA11 protein (p.Ala302Thr).

NM_002067.5(GNA11):c.904G>A (p.Ala302Thr)

Gene: GNA11 (G protein subunit alpha 11; plus strand). Cytogenetic location: 19p13.3.
Variant type: single nucleotide variant.
Coding change: c.904G>A on transcript NM_002067.5 (MANE Select); coding-DNA position 904, G replaced by A.
Protein change: p.Ala302Thr; replaces alanine 302 with threonine.
Molecular consequence: missense variant.
Genome position (GRCh38, 1-based): chr19:3,121,003, G>A. VCF-style: chr19-3121003-G-A. GRCh37 (hg19) VCF-style: chr19-3121001-G-A.
Other names: c.904G>A (NM_002067.2); short protein forms A302T.
Identifiers: ClinVar variation 2886714 (VCV002886714.4), dbSNP rs139538868, ClinGen allele CA9075102.